The following is an entry in ClinVar:

NM_000047.3(ARSL):c.23+697G>A

Gene: ARSL (arylsulfatase L; minus strand). Cytogenetic location: Xp22.33.
Variant type: single nucleotide variant.
Coding change: c.23+697G>A on transcript NM_000047.3 (MANE Select); 697 bases into the intron after coding-DNA position 23, G replaced by A.
Molecular consequence: intron variant. On other transcripts: missense variant (2).
Genome position (GRCh38, 1-based): chrX:2,959,681, C>T on the plus strand (G>A on the coding strand, the complement: ARSL is on the minus strand). VCF-style: chrX-2959681-C-T. GRCh37 (hg19) VCF-style: chrX-2877722-C-T.
Other names: c.20G>A, p.Arg7Lys (NM_001282628.2, NM_001369080.1); c.23+697G>A (NM_001282631.2); c.50+697G>A (NM_001369079.1); short protein forms R7K.
Identifiers: ClinVar variation 2659864 (VCV002659864.24), dbSNP rs970377973, ClinGen allele CA412269253.
Genomic context (GRCh38, chrX:2,959,681, plus strand): 5'-AATACAATTCCTTCTGAGGCTGCCTGGGGCAACATCAAATCAAGGGAGCCTGGAGCACAT[C>T]TATTAATCACGGGTCTCATGCTTCATTCTCCAGATGCAGGATAAATCACTATCAGTGCAT-3'

ClinVar aggregate classification (germline): Uncertain significance (1 of 4 stars; one submission).

Submission:

CeGaT Center for Human Genetics Tuebingen
Classification: Uncertain significance. Last evaluated: 2022-07-01. Review status: criteria provided, single submitter. Criteria: CeGaT Center For Human Genetics Tuebingen Variant Classification Criteria Version 2. Collection method: clinical testing. Allele origin: germline. Affected: yes. Observed: 1 variant allele.
Comment: ARSL: PM2, PP3